The following is an entry in ClinVar:

NM_000138.5(FBN1):c.*2040T>C

Gene: FBN1 (fibrillin 1; minus strand). Cytogenetic location: 15q21.1.
Variant type: single nucleotide variant.
Coding change: c.*2040T>C on transcript NM_000138.5 (MANE Select); 2040 bases downstream of the stop codon, T replaced by C.
Molecular consequence: 3 prime UTR variant.
Genome position (GRCh38, 1-based): chr15:48,408,950, A>G on the plus strand (T>C on the coding strand, the complement: FBN1 is on the minus strand). VCF-style: chr15-48408950-A-G. GRCh37 (hg19) VCF-style: chr15-48701147-A-G.
Identifiers: ClinVar variation 316315 (VCV000316315.9), dbSNP rs73390272, ClinGen allele CA10636122.

ClinVar aggregate classification (germline): Benign. Review status: criteria provided, multiple submitters, no conflicts (2 of 4 stars). 9 submissions from 3 submitters: Benign (9). Last evaluated 2021-05-11.

Conditions:
Marfan syndrome (MFS). Also called: Marfan syndrome type 1; Marfan's syndrome; MARFAN SYNDROME, TYPE I; Marfan syndrome, classic; FBN1-Related Marfan Syndrome. Identifiers: Orphanet 284963, Orphanet 558, MedGen C0024796, MONDO:0007947, OMIM 154700.
Stiff skin syndrome (SSKS). Identifiers: Orphanet 2833, MedGen C1861456, MONDO:0008492, OMIM 184900.
Geleophysic dysplasia. Identifiers: Orphanet 2623, MedGen C3489726, MONDO:0000127.
Familial thoracic aortic aneurysm and aortic dissection (TAAD). Also called: Thoracic aortic aneurysms and dissections. Identifiers: Orphanet 91387, MedGen C4707243, MONDO:0019625.
Acromicric dysplasia (ACMICD). Also called: Acromicric skeletal dysplasia. Identifiers: Orphanet 969, MedGen C0265287, MONDO:0007055, OMIM 102370.
Ectopia lentis 1, isolated, autosomal dominant (ECTOL1). Identifiers: Orphanet 1885, MedGen C3541518, MONDO:0007514, OMIM 129600.
Weill-Marchesani syndrome. Also called: WM Syndrome; Mesodermal dysmorphodystrophy congenital. Identifiers: Orphanet 3449, MedGen C0265313, MONDO:0018096.

Allele frequency attached by ClinVar (database versions not stated): gnomAD 0.03120 and 0.03164; TOPMed 0.03577; 1000 Genomes Project 30x 0.05372; 1000 Genomes Project 0.05591.

Submissions (9):

GeneDx
Classification: Benign. Last evaluated: 2021-05-11. Review status: criteria provided, single submitter. Criteria: GeneDx Variant Classification Process June 2021. Collection method: clinical testing. Allele origin: germline. Affected: yes.

Illumina Laboratory Services, Illumina
Classification: Benign for Geleophysic dysplasia. Last evaluated: 2018-01-12. Review status: criteria provided, single submitter. Criteria: ICSL Variant Classification Criteria 13 December 2019. Collection method: clinical testing. Allele origin: germline.
Comment: This variant was observed in the ICSL laboratory as part of a predisposition screen in an ostensibly healthy population. It had not been previously curated by ICSL or reported in the Human Gene Mutation Database (HGMD: prior to June 1st, 2018), and was therefore a candidate for classification through an automated scoring system. Utilizing variant allele frequency, disease prevalence and penetrance estimates, and inheritance mode, an automated score was calculated to assess if this variant is too frequent to cause the disease. Based on the score and internal cut-off values, a variant classified as benign is not then subjected to further curation. The score for this variant resulted in a classification of benign for this disease.

Illumina Laboratory Services, Illumina
Classification: Benign for Marfan syndrome. Last evaluated: 2018-01-12. Review status: criteria provided, single submitter. Criteria: ICSL Variant Classification Criteria 13 December 2019. Collection method: clinical testing. Allele origin: germline.
Comment: the same text as in the submission from Illumina Laboratory Services, Illumina above.

Illumina Laboratory Services, Illumina
Classification: Benign for Familial thoracic aortic aneurysm and aortic dissection. Last evaluated: 2018-01-12. Review status: criteria provided, single submitter. Criteria: ICSL Variant Classification Criteria 13 December 2019. Collection method: clinical testing. Allele origin: germline.
Comment: the same text as in the submission from Illumina Laboratory Services, Illumina above.

Illumina Laboratory Services, Illumina
Classification: Benign for Stiff skin syndrome. Last evaluated: 2018-01-12. Review status: criteria provided, single submitter. Criteria: ICSL Variant Classification Criteria 13 December 2019. Collection method: clinical testing. Allele origin: germline.
Comment: the same text as in the submission from Illumina Laboratory Services, Illumina above.

Illumina Laboratory Services, Illumina
Classification: Benign for Weill-Marchesani syndrome. Last evaluated: 2018-01-12. Review status: criteria provided, single submitter. Criteria: ICSL Variant Classification Criteria 13 December 2019. Collection method: clinical testing. Allele origin: germline.
Comment: the same text as in the submission from Illumina Laboratory Services, Illumina above.

Illumina Laboratory Services, Illumina
Classification: Benign for Acromicric dysplasia. Last evaluated: 2018-01-12. Review status: criteria provided, single submitter. Criteria: ICSL Variant Classification Criteria 13 December 2019. Collection method: clinical testing. Allele origin: germline.
Comment: the same text as in the submission from Illumina Laboratory Services, Illumina above.

Illumina Laboratory Services, Illumina
Classification: Benign for Ectopia lentis 1, isolated, autosomal dominant. Last evaluated: 2018-01-12. Review status: criteria provided, single submitter. Criteria: ICSL Variant Classification Criteria 13 December 2019. Collection method: clinical testing. Allele origin: germline.
Comment: the same text as in the submission from Illumina Laboratory Services, Illumina above.

Breakthrough Genomics
Classification: Benign. Review status: criteria provided, single submitter. Criteria: ACMG Guidelines, 2015. Collection method: not provided. Allele origin: germline. Inheritance: Autosomal dominant inheritance. Affected: yes.